The following is an entry in ClinVar:

ClinVar aggregate classification (germline): Uncertain significance (1 of 4 stars; one submission).

Conditions:
Inborn genetic diseases. Identifiers: MedGen C0950123, MeSH D030342.

Submission:

Ambry Genetics
Classification: Uncertain significance for Inborn genetic diseases. Last evaluated: 2025-06-16. Review status: criteria provided, single submitter. Criteria: Ambry Variant Classification Scheme 2023. Collection method: clinical testing. Allele origin: germline.
Comment: The p.S145N variant (also known as c.434G>A), located in coding exon 5 of the DDX41 gene, results from a G to A substitution at nucleotide position 434. The amino acid change results in serine to asparagine at codon 145, an amino acid with highly similar properties. However, this change occurs in the last base pair of coding exon 5, which makes it likely to have some effect on normal mRNA splicing. This nucleotide position is highly conserved in available vertebrate species. In silico splice site analysis predicts that this alteration will not have any significant effect on splicing. This amino acid position is highly conserved in available vertebrate species. In addition, as a missense substitution this alteration is predicted to be tolerated by in silico analysis. Based on the available evidence, the clinical significance of this variant remains unclear.

NM_016222.4(DDX41):c.434G>A (p.Ser145Asn)

Gene: DDX41 (DEAD-box helicase 41; minus strand). Cytogenetic location: 5q35.3.
Variant type: single nucleotide variant.
Coding change: c.434G>A on transcript NM_016222.4 (MANE Select); coding-DNA position 434, G replaced by A.
Protein change: p.Ser145Asn; replaces serine 145 with asparagine.
Molecular consequence: missense variant.
Genome position (GRCh38, 1-based): chr5:177,515,929, C>T on the plus strand (G>A on the coding strand, the complement: DDX41 is on the minus strand). VCF-style: chr5-177515929-C-T. GRCh37 (hg19) VCF-style: chr5-176942930-C-T.
Other names: c.56G>A, p.Ser19Asn (NM_001321732.2, NM_001321830.2); short protein forms S19N, S145N.
Identifiers: ClinVar variation 4238727 (VCV004238727.1).